The following is an entry in ClinVar:

NM_005909.5(MAP1B):c.5899C>A (p.Pro1967Thr)

Gene: MAP1B (microtubule associated protein 1B; plus strand). Cytogenetic location: 5q13.2.
Variant type: single nucleotide variant.
Coding change: c.5899C>A on transcript NM_005909.5 (MANE Select); coding-DNA position 5899, C replaced by A.
Protein change: p.Pro1967Thr; replaces proline 1967 with threonine.
Molecular consequence: missense variant.
Genome position (GRCh38, 1-based): chr5:72,199,254, C>A. VCF-style: chr5-72199254-C-A. GRCh37 (hg19) VCF-style: chr5-71495081-C-A.
Other names: c.5521C>A, p.Pro1841Thr (NM_001324255.2); c.5899C>A (NM_005909.3); short protein forms P1841T, P1967T.
Identifiers: ClinVar variation 3896075 (VCV003896075.2).

ClinVar aggregate classification (germline): Uncertain significance. Review status: criteria provided, multiple submitters, no conflicts (2 of 4 stars). 2 submissions from 2 submitters: Uncertain significance (2). Last evaluated 2025-08-27.

Conditions:
Inborn genetic diseases. Identifiers: MedGen C0950123, MeSH D030342.

gnomAD v4.1: 12 of 1,614,000 alleles (0.00074%); highest among the groups gnomAD compares: African/African-American, 0.0093%; no homozygotes.

Submissions (2):

Ambry Genetics
Classification: Uncertain significance for Inborn genetic diseases. Last evaluated: 2025-08-27. Review status: criteria provided, single submitter. Criteria: Ambry Variant Classification Scheme 2023. Collection method: clinical testing. Allele origin: germline.

Women's Health and Genetics/Laboratory Corporation of America, LabCorp
Classification: Uncertain significance. Last evaluated: 2025-03-19. Review status: criteria provided, single submitter. Criteria: LabCorp Variant Classification Summary - May 2015. Collection method: clinical testing. Allele origin: germline.
Comment: Variant summary: MAP1B c.5899C>A (p.Pro1967Thr) results in a non-conservative amino acid change in the encoded protein sequence. Three of five in-silico tools predict a benign effect of the variant on protein function. The variant allele was found at a frequency of 4e-06 in 251108 control chromosomes. The available data on variant occurrences in the general population are insufficient to allow any conclusion about variant significance. To our knowledge, no occurrence of c.5899C>A in individuals affected with Periventricular Nodular Heterotopia 9 and no experimental evidence demonstrating its impact on protein function have been reported. No submitters have cited clinical-significance assessments for this variant to ClinVar. Based on the evidence outlined above, the variant was classified as uncertain significance.